The following is an entry in ClinVar:

NM_030632.3(ASXL3):c.2579T>C (p.Met860Thr)

Gene: ASXL3 (ASXL transcriptional regulator 3; plus strand). Cytogenetic location: 18q12.1.
Variant type: single nucleotide variant.
Coding change: c.2579T>C on transcript NM_030632.3 (MANE Select); coding-DNA position 2579, T replaced by C.
Protein change: p.Met860Thr; replaces methionine 860 with threonine.
Molecular consequence: missense variant.
Genome position (GRCh38, 1-based): chr18:33,739,983, T>C. VCF-style: chr18-33739983-T-C. GRCh37 (hg19) VCF-style: chr18-31319947-T-C.
Other names: short protein forms M860T.
Identifiers: ClinVar variation 4982748 (VCV004982748.1).

ClinVar aggregate classification (germline): Uncertain significance (1 of 4 stars; one submission).

Conditions:
ASXL3-related disorder. Also called: ASXL3-related condition. Identifiers: MedGen CN381524.

gnomAD v4.1: 2 of 1,613,714 alleles (0.00012%); highest among the groups gnomAD compares: African/African-American, 0.0027%; no homozygotes.

Submission:

PreventionGenetics, part of Exact Sciences
Classification: Uncertain significance for ASXL3-related condition. Last evaluated: 2025-03-06. Review status: criteria provided, single submitter. Criteria: ACMG Guidelines, 2015. Collection method: clinical testing. Allele origin: germline.
Comment: The ASXL3 c.2579T>C variant is predicted to result in the amino acid substitution p.Met860Thr. To our knowledge, this variant has not been reported in the literature. This variant is reported in 0.0065% of alleles in individuals of African descent in gnomAD. At this time, the clinical significance of this variant is uncertain due to the absence of conclusive functional and genetic evidence.